The following is an entry in ClinVar:

ClinVar aggregate classification (germline): Uncertain significance (1 of 4 stars; one submission).

Submission:

Ambry Genetics
Classification: Uncertain significance. Last evaluated: 2025-04-03. Review status: criteria provided, single submitter. Criteria: Ambry Variant Classification Scheme 2023. Collection method: clinical testing. Allele origin: germline.
Comment: The p.G43S variant (also known as c.127G>A), located in coding exon 2 of the RAD51B gene, results from a G to A substitution at nucleotide position 127. The glycine at codon 43 is replaced by serine, an amino acid with similar properties. This amino acid position is conserved. In addition, the in silico prediction for this alteration is inconclusive. Based on the available evidence, the clinical significance of this variant remains unclear.

NM_133510.4(RAD51B):c.127G>A (p.Gly43Ser)

Gene: RAD51B (RAD51 paralog B; plus strand). Cytogenetic location: 14q24.1.
Variant type: single nucleotide variant.
Coding change: c.127G>A on transcript NM_133510.4 (MANE Select); coding-DNA position 127, G replaced by A.
Protein change: p.Gly43Ser; replaces glycine 43 with serine.
Molecular consequence: missense variant. On other transcripts: 5 prime UTR variant (1).
Genome position (GRCh38, 1-based): chr14:67,825,506, G>A. VCF-style: chr14-67825506-G-A. GRCh37 (hg19) VCF-style: chr14-68292223-G-A.
Other names: c.127G>A, p.Gly43Ser (NM_001321809.2, NM_001321810.2, NM_001321812.1 and 6 more transcripts); c.13G>A, p.Gly5Ser (NM_001321815.1); c.-329G>A (NM_001321817.2); short protein forms G43S, G5S.
Identifiers: ClinVar variation 3942285 (VCV003942285.1).